The following is an entry in ClinVar:

NM_053025.4(MYLK):c.164G>A (p.Arg55Gln)

Genes: MYLK (myosin light chain kinase; minus strand), LOC126806792 (CDK7 strongly-dependent group 2 enhancer GRCh37_chr3:123511339-123512538; plus strand). Cytogenetic location: 3q21.1.
Variant type: single nucleotide variant.
Coding change: c.164G>A on transcript NM_053025.4 (MANE Select); coding-DNA position 164, G replaced by A.
Protein change: p.Arg55Gln; replaces arginine 55 with glutamine.
Molecular consequence: missense variant. On other transcripts: 5 prime UTR variant (1).
Genome position (GRCh38, 1-based): chr3:123,793,678, C>T on the plus strand (G>A on the coding strand, the complement: MYLK is on the minus strand). VCF-style: chr3-123793678-C-T. GRCh37 (hg19) VCF-style: chr3-123512525-C-T.
Other names: c.-157G>A (NM_001321309.2); c.164G>A, p.Arg55Gln (NM_053026.4, NM_053027.4, NM_053028.4); short protein forms R55Q.
Identifiers: ClinVar variation 519973 (VCV000519973.9), dbSNP rs768984022, ClinGen allele CA067644.
Genomic context (GRCh38, chr3:123,793,678, plus strand): 5'-GGAGCAGCGGCCCCTGCCCATCCTTCCCCACAGCCTCCCCATCCAGCCACACTTCTTACC[C>T]GCCCTTCGAACTTGGCGGTGGCTCCTTCTTTGATGCAGAGGTTCCGAGGGGGCAAAATGA-3'
Protein context (NP_444253.3, residues 45-65): KEGATAKFEG[Arg55Gln]VRGYPEPQVT

ClinVar aggregate classification (germline): Uncertain significance. Review status: criteria provided, multiple submitters, no conflicts (2 of 4 stars). 2 submissions from 2 submitters: Uncertain significance (2). Last evaluated 2025-11-22.

Conditions:
Aortic aneurysm, familial thoracic 7 (AAT7). Also called: AORTIC DISSECTION, FAMILIAL, WITH OR WITHOUT AORTIC ANEURYSM. Identifiers: MedGen C3151077, MONDO:0013418, OMIM 613780.
Familial thoracic aortic aneurysm and aortic dissection (TAAD). Also called: Thoracic aortic aneurysms and dissections. Identifiers: Orphanet 91387, MedGen C4707243, MONDO:0019625.

Allele frequency attached by ClinVar (database versions not stated): TOPMed 0.00001.
gnomAD v4.1: 14 of 1,614,092 alleles (0.00087%); highest among the groups gnomAD compares: African/African-American, 0.0013%; no homozygotes.

Submissions (2):

Labcorp Genetics (formerly Invitae), Labcorp
Classification: Uncertain significance for Aortic aneurysm, familial thoracic 7. Last evaluated: 2025-11-22. Review status: criteria provided, single submitter. Criteria: Invitae Variant Classification Sherloc (09022015). Collection method: clinical testing. Allele origin: germline.
Comment: This sequence change replaces arginine, which is basic and polar, with glutamine, which is neutral and polar, at codon 55 of the MYLK protein (p.Arg55Gln). This variant is present in population databases (rs768984022, gnomAD 0.007%). This variant has not been reported in the literature in individuals affected with MYLK-related conditions. ClinVar contains an entry for this variant (Variation ID: 519973). An algorithm developed to predict the effect of missense changes on protein structure and function (PolyPhen-2) suggests that this variant is likely to be tolerated. In summary, the available evidence is currently insufficient to determine the role of this variant in disease. Therefore, it has been classified as a Variant of Uncertain Significance.

Ambry Genetics
Classification: Uncertain significance for Familial thoracic aortic aneurysm and aortic dissection. Last evaluated: 2022-04-28. Review status: criteria provided, single submitter. Criteria: Ambry Variant Classification Scheme 2023. Collection method: clinical testing. Allele origin: germline.
Comment: The p.R55Q variant (also known as c.164G>A), located in coding exon 1 of the MYLK gene, results from a G to A substitution at nucleotide position 164. The arginine at codon 55 is replaced by glutamine, an amino acid with highly similar properties. This amino acid position is not well conserved in available vertebrate species. In addition, this alteration is predicted to be tolerated by in silico analysis. Since supporting evidence is limited at this time, the clinical significance of this alteration remains unclear.